The following is an entry in ClinVar:

ClinVar aggregate classification (germline): Uncertain significance (1 of 4 stars; one submission).

gnomAD v4.1: 2 of 1,613,672 alleles (0.00012%); highest among the groups gnomAD compares: Admixed American, 0.0033%; no homozygotes.

Submission:

Labcorp Genetics (formerly Invitae), Labcorp
Classification: Uncertain significance. Last evaluated: 2025-12-30. Review status: criteria provided, single submitter. Criteria: Invitae Variant Classification Sherloc (09022015). Collection method: clinical testing. Allele origin: germline.
Comment: This sequence change replaces alanine, which is neutral and non-polar, with glutamic acid, which is acidic and polar, at codon 412 of the HTRA1 protein (p.Ala412Glu). This variant is present in population databases (rs754820159, gnomAD 0.009%). This variant has not been reported in the literature in individuals affected with HTRA1-related conditions. Invitae Evidence Modeling of protein sequence and biophysical properties (such as structural, functional, and spatial information, amino acid conservation, physicochemical variation, residue mobility, and thermodynamic stability) indicates that this missense variant is expected to disrupt HTRA1 protein function with a positive predictive value of 95%. In summary, the available evidence is currently insufficient to determine the role of this variant in disease. Therefore, it has been classified as a Variant of Uncertain Significance.

NM_002775.5(HTRA1):c.1235C>A (p.Ala412Glu)

Gene: HTRA1 (HtrA serine peptidase 1; plus strand). Cytogenetic location: 10q26.13.
Variant type: single nucleotide variant.
Coding change: c.1235C>A on transcript NM_002775.5 (MANE Select); coding-DNA position 1235, C replaced by A.
Protein change: p.Ala412Glu; replaces alanine 412 with glutamic acid.
Molecular consequence: missense variant.
Genome position (GRCh38, 1-based): chr10:122,512,026, C>A. VCF-style: chr10-122512026-C-A. GRCh37 (hg19) VCF-style: chr10-124271542-C-A.
Other names: short protein forms A412E.
Identifiers: ClinVar variation 4750512 (VCV004750512.1).
Genomic context (GRCh38, chr10:122,512,026, plus strand): 5'-GCAGCAAAGCCAAAGAGCTGAAGGACCGGCACCGGGACTTCCCAGACGTGATCTCAGGAG[C>A]GTATATAATTGAAGTAATTCCTGATACCCCAGCAGAAGCGTGAGTTGGAGTCGTTTTCTC-3'
Protein context (NP_002766.1, residues 402-422): HRDFPDVISG[Ala412Glu]YIIEVIPDTP